The following is an entry in ClinVar:

ClinVar aggregate classification (germline): Uncertain significance (1 of 4 stars; one submission).

Submission:

Labcorp Genetics (formerly Invitae), Labcorp
Classification: Uncertain significance. Last evaluated: 2023-06-03. Review status: criteria provided, single submitter. Criteria: Invitae Variant Classification Sherloc (09022015). Collection method: clinical testing. Allele origin: germline.
Comment: An algorithm developed to predict the effect of missense changes on protein structure and function (PolyPhen-2) suggests that this variant is likely to be disruptive. In summary, the available evidence is currently insufficient to determine the role of this variant in disease. Therefore, it has been classified as a Variant of Uncertain Significance. This variant has not been reported in the literature in individuals affected with ADGRE2-related conditions. This variant is not present in population databases (gnomAD no frequency). This sequence change replaces methionine, which is neutral and non-polar, with isoleucine, which is neutral and non-polar, at codon 729 of the ADGRE2 protein (p.Met729Ile).

NM_013447.4(ADGRE2):c.2187G>T (p.Met729Ile)

Gene: ADGRE2 (adhesion G protein-coupled receptor E2; minus strand). Cytogenetic location: 19p13.12.
Variant type: single nucleotide variant.
Coding change: c.2187G>T on transcript NM_013447.4 (MANE Select); coding-DNA position 2187, G replaced by T.
Protein change: p.Met729Ile; replaces methionine 729 with isoleucine.
Molecular consequence: missense variant.
Genome position (GRCh38, 1-based): chr19:14,743,781, C>A on the plus strand (G>T on the coding strand, the complement: ADGRE2 is on the minus strand). VCF-style: chr19-14743781-C-A. GRCh37 (hg19) VCF-style: chr19-14854593-C-A.
Other names: c.2013G>T, p.Met671Ile (NM_001271052.1); c.2040G>T, p.Met680Ile (NM_152916.2); c.1908G>T, p.Met636Ile (NM_152917.2); short protein forms M636I, M680I, M729I, M671I.
Identifiers: ClinVar variation 2763736 (VCV002763736.3), dbSNP rs1450030442, ClinGen allele CA404451454.